The following is an entry in ClinVar:

NM_182493.3(MYLK3):c.1390G>A (p.Ala464Thr)

Gene: MYLK3 (myosin light chain kinase 3; minus strand). Cytogenetic location: 16q11.2.
Variant type: single nucleotide variant.
Coding change: c.1390G>A on transcript NM_182493.3 (MANE Select); coding-DNA position 1390, G replaced by A.
Protein change: p.Ala464Thr; replaces alanine 464 with threonine.
Molecular consequence: missense variant.
Genome position (GRCh38, 1-based): chr16:46,732,280, C>T on the plus strand (G>A on the coding strand, the complement: MYLK3 is on the minus strand). VCF-style: chr16-46732280-C-T. GRCh37 (hg19) VCF-style: chr16-46766192-C-T.
Other names: c.1390G>A (NM_182493.2); c.367G>A, p.Ala123Thr (NM_001308301.1); short protein forms A123T, A464T.
Identifiers: ClinVar variation 1421113 (VCV001421113.10), dbSNP rs371075122, ClinGen allele CA8038002.
Genomic context (GRCh38, chr16:46,732,280, plus strand): 5'-TGCCAGCCTCGGCGCCTGGGGGCATCCTCCTTACTGCTTCAGCTCTCACCGGAGCCCTGG[C>T]TGCACAGTCCTGCTCAGGCTCAGGGTTTCCCGCCCCTGGGCTTTTGCCCTGCTGCAGGCC-3'
Protein context (NP_872299.2, residues 454-474): GNPEPEQDCA[Ala464Thr]RAPVRAEAVR

ClinVar aggregate classification (germline): Uncertain significance. Review status: criteria provided, multiple submitters, no conflicts (2 of 4 stars). 2 submissions from 2 submitters: Uncertain significance (2). Last evaluated 2025-12-26.

Allele frequency attached by ClinVar (database versions not stated): gnomAD exomes 0.00001 and 0.00004; ExAC 0.00002; TOPMed 0.00005; gnomAD 0.00006; ESP Exome Variant Server 0.00008.

Submissions (2):

Labcorp Genetics (formerly Invitae), Labcorp
Classification: Uncertain significance. Last evaluated: 2025-12-26. Review status: criteria provided, single submitter. Criteria: Invitae Variant Classification Sherloc (09022015). Collection method: clinical testing. Allele origin: germline.
Comment: This sequence change replaces alanine, which is neutral and non-polar, with threonine, which is neutral and polar, at codon 464 of the MYLK3 protein (p.Ala464Thr). This variant is present in population databases (rs371075122, gnomAD 0.006%). This variant has not been reported in the literature in individuals affected with MYLK3-related conditions. ClinVar contains an entry for this variant (Variation ID: 1421113). An algorithm developed to predict the effect of missense changes on protein structure and function outputs the following: PolyPhen-2: "Benign". The threonine amino acid residue is found in multiple mammalian species, which suggests that this missense change does not adversely affect protein function. In summary, the available evidence is currently insufficient to determine the role of this variant in disease. Therefore, it has been classified as a Variant of Uncertain Significance.

Ambry Genetics
Classification: Uncertain significance. Last evaluated: 2025-08-28. Review status: criteria provided, single submitter. Criteria: Ambry Variant Classification Scheme 2023. Collection method: clinical testing. Allele origin: germline.